The following is an entry in ClinVar:

NM_033026.6(PCLO):c.8746A>G (p.Thr2916Ala)

Gene: PCLO (piccolo presynaptic cytomatrix protein; minus strand). Cytogenetic location: 7q21.11.
Variant type: single nucleotide variant.
Coding change: c.8746A>G on transcript NM_033026.6 (MANE Select); coding-DNA position 8746, A replaced by G.
Protein change: p.Thr2916Ala; replaces threonine 2916 with alanine.
Molecular consequence: missense variant.
Genome position (GRCh38, 1-based): chr7:82,952,207, T>C on the plus strand (A>G on the coding strand, the complement: PCLO is on the minus strand). VCF-style: chr7-82952207-T-C. GRCh37 (hg19) VCF-style: chr7-82581523-T-C.
Other names: c.8746A>G, p.Thr2916Ala (NM_014510.3); short protein forms T2916A.
Identifiers: ClinVar variation 1475771 (VCV001475771.5), dbSNP rs750132236, ClinGen allele CA4320072.
Genomic context (GRCh38, chr7:82,952,207, plus strand): 5'-TCCCTGCGGTTAAATCAACGGGTTTTTCATCTTCTATTATTTTGGTCATCACACTTGAAG[T>C]AGACTCATCCATTGTTACGACTGTTCTGTGAGACTTGGTTGTACTGAGATCCACTACTTC-3'
Protein context (NP_149015.2, residues 2906-2926): HRTVVTMDES[Thr2916Ala]SSVMTKIIED

ClinVar aggregate classification (germline): Uncertain significance (1 of 4 stars; one submission).

Allele frequency attached by ClinVar (database versions not stated): gnomAD 0.00001; ExAC 0.00003.
gnomAD v4.1: 13 of 1,613,626 alleles (0.00081%); highest among the groups gnomAD compares: East Asian, 0.0089%; no homozygotes.

Submission:

Labcorp Genetics (formerly Invitae), Labcorp
Classification: Uncertain significance. Last evaluated: 2021-08-26. Review status: criteria provided, single submitter. Criteria: Invitae Variant Classification Sherloc (09022015). Collection method: clinical testing. Allele origin: germline.
Comment: This sequence change replaces threonine with alanine at codon 2916 of the PCLO protein (p.Thr2916Ala). The threonine residue is moderately conserved and there is a small physicochemical difference between threonine and alanine. This variant is present in population databases (rs750132236, ExAC 0.02%). This variant has not been reported in the literature in individuals affected with PCLO-related conditions. Algorithms developed to predict the effect of missense changes on protein structure and function output the following: SIFT: "Deleterious"; PolyPhen-2: "Not Available"; Align-GVGD: "Class C0". The alanine amino acid residue is found in multiple mammalian species, which suggests that this missense change does not adversely affect protein function. In summary, the available evidence is currently insufficient to determine the role of this variant in disease. Therefore, it has been classified as a Variant of Uncertain Significance.